The following is an entry in ClinVar:

NM_000264.5(PTCH1):c.488A>C (p.Lys163Thr)

Gene: PTCH1 (patched 1; minus strand). Cytogenetic location: 9q22.32.
Variant type: single nucleotide variant.
Coding change: c.488A>C on transcript NM_000264.5 (MANE Select); coding-DNA position 488, A replaced by C.
Protein change: p.Lys163Thr; replaces lysine 163 with threonine.
Molecular consequence: missense variant. On other transcripts: non-coding transcript variant (1).
Genome position (GRCh38, 1-based): chr9:95,485,781, T>G on the plus strand (A>C on the coding strand, the complement: PTCH1 is on the minus strand). VCF-style: chr9-95485781-T-G. GRCh37 (hg19) VCF-style: chr9-98248063-T-G.
Other names: c.290A>C, p.Lys97Thr (NM_001083602.3, NM_001354919.2); c.485A>C, p.Lys162Thr (NM_001083603.3); c.35A>C, p.Lys12Thr (NM_001083604.3, NM_001083605.3, NM_001083606.3 and 1 more transcripts); c.488A>C, p.Lys163Thr (NM_001354918.2); short protein forms K97T, K162T, K12T, K163T.
Identifiers: ClinVar variation 951708 (VCV000951708.12), dbSNP rs56406491, ClinGen allele CA196536988.

ClinVar aggregate classification (germline): Uncertain significance. Review status: criteria provided, multiple submitters, no conflicts (2 of 4 stars). 2 submissions from 2 submitters: Uncertain significance (2). Last evaluated 2026-01-02.

Conditions:
Hereditary cancer-predisposing syndrome. Also called: Hereditary neoplastic syndrome; Tumor predisposition; Neoplastic Syndromes, Hereditary; Hereditary Cancer Syndrome. Identifiers: Orphanet 140162, MedGen C0027672, MeSH D009386, MONDO:0015356.
Gorlin syndrome. Also called: Basal cell nevus syndrome; Nevoid Basal Cell Carcinoma Syndrome. Identifiers: Orphanet 377, MedGen C0004779, MONDO:0007187.

gnomAD v4.1: 10 of 1,614,190 alleles (0.00062%); highest among the groups gnomAD compares: East Asian, 0.022%; no homozygotes.

Submissions (2):

Labcorp Genetics (formerly Invitae), Labcorp
Classification: Uncertain significance for Gorlin syndrome. Last evaluated: 2026-01-02. Review status: criteria provided, single submitter. Criteria: Invitae Variant Classification Sherloc (09022015). Collection method: clinical testing. Allele origin: germline.
Comment: This sequence change replaces lysine, which is basic and polar, with threonine, which is neutral and polar, at codon 163 of the PTCH1 protein (p.Lys163Thr). This variant is not present in population databases (gnomAD no frequency). This variant has not been reported in the literature in individuals affected with PTCH1-related conditions. ClinVar contains an entry for this variant (Variation ID: 951708). Invitae Evidence Modeling of protein sequence and biophysical properties (such as structural, functional, and spatial information, amino acid conservation, physicochemical variation, residue mobility, and thermodynamic stability) indicates that this missense variant is not expected to disrupt PTCH1 protein function with a negative predictive value of 95%. In summary, the available evidence is currently insufficient to determine the role of this variant in disease. Therefore, it has been classified as a Variant of Uncertain Significance.

Ambry Genetics
Classification: Uncertain significance for Hereditary cancer-predisposing syndrome. Last evaluated: 2024-09-30. Review status: criteria provided, single submitter. Criteria: Ambry Variant Classification Scheme 2023. Collection method: clinical testing. Allele origin: germline.
Comment: The p.K163T variant (also known as c.488A>C), located in coding exon 3 of the PTCH1 gene, results from an A to C substitution at nucleotide position 488. The lysine at codon 163 is replaced by threonine, an amino acid with similar properties. This amino acid position is not well conserved in available vertebrate species. In addition, this alteration is predicted to be tolerated by in silico analysis. Since supporting evidence is limited at this time, the clinical significance of this alteration remains unclear.